The following is an entry in ClinVar:

NM_001130438.3(SPTAN1):c.5508C>T (p.Ser1836=)

Gene: SPTAN1 (spectrin alpha, non-erythrocytic 1; plus strand). Cytogenetic location: 9q34.11.
Variant type: single nucleotide variant.
Coding change: c.5508C>T on transcript NM_001130438.3 (MANE Select); coding-DNA position 5508, C replaced by T.
Protein change: p.Ser1836=; no amino-acid change (serine 1836 retained).
Molecular consequence: synonymous variant.
Genome position (GRCh38, 1-based): chr9:128,618,016, C>T. VCF-style: chr9-128618016-C-T. GRCh37 (hg19) VCF-style: chr9-131380295-C-T.
Other names: c.5433C>T, p.Ser1811= (NM_001195532.2); c.5508C>T, p.Ser1836= (NM_001363759.2); c.5448C>T, p.Ser1816= (NM_001363765.2); c.5493C>T, p.Ser1831= (NM_003127.4).
Identifiers: ClinVar variation 391223 (VCV000391223.11), dbSNP rs777780283, ClinGen allele CA16606267.

ClinVar aggregate classification (germline): Likely benign. Review status: criteria provided, multiple submitters, no conflicts (2 of 4 stars). 2 submissions from 2 submitters: Likely benign (2). Last evaluated 2024-10-29.

Conditions:
Early-infantile DEE. Also called: Early infantile epileptic encephalopathy with suppression bursts; Ohtahara syndrome; Early infantile epileptic encephalopathy. Identifiers: Orphanet 1934, MedGen C0393706, MONDO:0800491.

Allele frequency attached by ClinVar (database versions not stated): TOPMed below 0.00001; gnomAD 0.00001; gnomAD exomes 0.00001 and 0.00002.
gnomAD v4.1: 27 of 1,613,978 alleles (0.0017%); highest among the groups gnomAD compares: Admixed American, 0.0033%; no homozygotes.

Submissions (2):

Labcorp Genetics (formerly Invitae), Labcorp
Classification: Likely benign for Early-infantile DEE. Last evaluated: 2024-10-29. Review status: criteria provided, single submitter. Criteria: Invitae Variant Classification Sherloc (09022015). Collection method: clinical testing. Allele origin: germline.

GeneDx
Classification: Likely benign. Last evaluated: 2016-11-23. Review status: criteria provided, single submitter. Criteria: GeneDx Variant Classification (06012015). Collection method: clinical testing. Allele origin: germline. Affected: yes.
Comment: This variant is considered likely benign or benign based on one or more of the following criteria: it is a conservative change, it occurs at a poorly conserved position in the protein, it is predicted to be benign by multiple in silico algorithms, and/or has population frequency not consistent with disease.